The following is an entry in ClinVar:

NM_052844.4(DYNC2I2):c.629del (p.Pro210fs)

Gene: DYNC2I2 (dynein 2 intermediate chain 2; minus strand). Cytogenetic location: 9q34.11.
Variant type: Deletion.
Coding change: c.629del on transcript NM_052844.4 (MANE Select); coding-DNA position 629, one base deleted (C; older notation c.629delC).
Protein change: p.Pro210fs; shifts the reading frame from proline 210.
Molecular consequence: frameshift variant.
Genome position (GRCh38, 1-based): chr9:128,636,355, G deleted on the plus strand (C on the coding strand, the reverse complement: DYNC2I2 is on the minus strand); the first of 2 consecutive G bases (chr9:128,636,355-128,636,356); deleting either gives the same sequence. VCF-style (leftmost placement, unchanged base first): chr9-128636354-CG-C. GRCh37 (hg19) VCF-style: chr9-131398633-CG-C.
Other names: short protein forms P210fs.
Identifiers: ClinVar variation 1325354 (VCV001325354.7), dbSNP rs2132146546, ClinGen allele CA2573053110.

ClinVar aggregate classification (germline): Pathogenic/Likely pathogenic. Review status: criteria provided, multiple submitters, no conflicts (2 of 4 stars). 2 submissions from 2 submitters: Pathogenic (1); Likely pathogenic (1). Last evaluated 2025-08-11.

Conditions:
Short-rib thoracic dysplasia 11 with or without polydactyly (SRTD11). Also called: SHORT-RIB THORACIC DYSPLASIA 11 WITHOUT POLYDACTYLY. Identifiers: Orphanet 474, Orphanet 93271, MedGen C3810200, MONDO:0014287, OMIM 615633.

Submissions (2):

Labcorp Genetics (formerly Invitae), Labcorp
Classification: Pathogenic for Short-rib thoracic dysplasia 11 with or without polydactyly. Last evaluated: 2025-08-11. Review status: criteria provided, single submitter. Criteria: Invitae Variant Classification Sherloc (09022015). Collection method: clinical testing. Allele origin: germline.
Comment: This sequence change creates a premature translational stop signal (p.Pro210Argfs*38) in the WDR34 gene. It is expected to result in an absent or disrupted protein product. Loss-of-function variants in WDR34 are known to be pathogenic (PMID: 24183449, 24183451, 28379358). This variant is not present in population databases (gnomAD no frequency). This variant has not been reported in the literature in individuals affected with WDR34-related conditions. ClinVar contains an entry for this variant (Variation ID: 1325354). For these reasons, this variant has been classified as Pathogenic.

Revvity Omics, Revvity
Classification: Likely pathogenic for Short-rib thoracic dysplasia 11 with or without polydactyly. Last evaluated: 2019-12-23. Review status: criteria provided, single submitter. Criteria: ACMG Guidelines, 2015. Collection method: clinical testing. Allele origin: germline.

Literature cited by the submitters: PubMed 24183449 (cited by Labcorp Genetics (formerly Invitae), Labcorp); PubMed 24183451 (cited by Labcorp Genetics (formerly Invitae), Labcorp); PubMed 28379358 (cited by Labcorp Genetics (formerly Invitae), Labcorp).